The following is an entry in ClinVar:

ClinVar aggregate classification (germline): Uncertain significance (1 of 4 stars; one submission).

Conditions:
SH2B1-related disorder. Also called: SH2B1-related condition.

Allele frequency attached by ClinVar (database versions not stated): gnomAD exomes below 0.00001; TOPMed below 0.00001; gnomAD 0.00001.

Submission:

PreventionGenetics, part of Exact Sciences
Classification: Uncertain significance for SH2B1-related condition. Last evaluated: 2026-01-22. Review status: criteria provided, single submitter. Criteria: ACMG Guidelines, 2015. Collection method: clinical testing. Allele origin: germline.
Comment: The SH2B1 c.2125G>A variant is predicted to result in the amino acid substitution p.Ala709Thr. To our knowledge, this variant has not been reported in the literature. This variant is reported in 0.0040% of alleles in individuals of European (Non-Finnish) descent in gnomAD. At this time, the clinical significance of this variant is uncertain due to the absence of conclusive functional and genetic evidence.

NM_001387430.1(SH2B1):c.2125G>A (p.Ala709Thr)

Gene: SH2B1 (SH2B adaptor protein 1; plus strand). Cytogenetic location: 16p11.2.
Variant type: single nucleotide variant.
Coding change: c.2125G>A on transcript NM_001387430.1 (MANE Select); coding-DNA position 2125, G replaced by A.
Protein change: p.Ala709Thr; replaces alanine 709 with threonine.
Molecular consequence: missense variant. On other transcripts: 3 prime UTR variant (5).
Genome position (GRCh38, 1-based): chr16:28,873,674, G>A. VCF-style: chr16-28873674-G-A. GRCh37 (hg19) VCF-style: chr16-28884995-G-A.
Other names: c.*209G>A (NM_015503.3, NM_001145796.2, NM_001145812.2 and 1 more transcripts); c.2125G>A, p.Ala709Thr (NM_001145795.2, NM_001308293.2, NM_001387404.1); c.*226G>A (NM_001145797.2); short protein forms A709T.
Identifiers: ClinVar variation 2635635 (VCV002635635.2), dbSNP rs1373069843, ClinGen allele CA395398233.